The following is an entry in ClinVar:

ClinVar aggregate classification (germline): Pathogenic (1 of 4 stars; one submission).

Conditions:
Early-infantile DEE. Also called: Early infantile epileptic encephalopathy; Ohtahara syndrome; Early infantile epileptic encephalopathy with suppression bursts. Identifiers: Orphanet 1934, MedGen C0393706, MONDO:0800491.

Submission:

Labcorp Genetics (formerly Invitae), Labcorp
Classification: Pathogenic for Early-infantile DEE. Last evaluated: 2019-02-05. Review status: criteria provided, single submitter. Criteria: Invitae Variant Classification Sherloc (09022015). Collection method: clinical testing. Allele origin: germline.
Comment: This sequence change replaces aspartic acid with glycine at codon 1544 of the SCN1A protein (p.Asp1544Gly). The aspartic acid residue is highly conserved and there is a moderate physicochemical difference between aspartic acid and glycine. For these reasons, this variant has been classified as Pathogenic. This variant disrupts the p.Asp1544 amino acid residue in SCN1A. Other variant(s) that disrupt this residue have been observed in affected individuals (PMID: 18930999), which suggests that this may be a clinically significant amino acid residue. Algorithms developed to predict the effect of missense changes on protein structure and function (SIFT, PolyPhen-2, Align-GVGD) all suggest that this variant is likely to be disruptive, but these predictions have not been confirmed by published functional studies and their clinical significance is uncertain. This variant has been observed to be de novo in an individual affected with Dravet syndrome (PMID: 21248271). This variant has also been observed to segregate with clinical features of SCN1A-related disorder in a family (Invitae). This variant is not present in population databases (ExAC no frequency).

Literature cited by the submitters: PubMed 18930999; PubMed 21248271.

NM_001165963.4(SCN1A):c.4631A>G (p.Asp1544Gly)

Genes: SCN1A (sodium voltage-gated channel alpha subunit 1; minus strand), LOC102724058 (uncharacterized LOC102724058; plus strand). Cytogenetic location: 2q24.3.
Variant type: single nucleotide variant.
Coding change: c.4631A>G on transcript NM_001165963.4 (MANE Select); coding-DNA position 4631, A replaced by G.
Protein change: p.Asp1544Gly; replaces aspartic acid 1544 with glycine.
Molecular consequence: missense variant. On other transcripts: non-coding transcript variant (1).
Genome position (GRCh38, 1-based): chr2:165,994,367, T>C on the plus strand (A>G on the coding strand, the complement: SCN1A is on the minus strand). VCF-style: chr2-165994367-T-C. GRCh37 (hg19) VCF-style: chr2-166850877-T-C.
Other names: c.4547A>G, p.Asp1516Gly (NM_001165964.3, NM_001353957.2, NM_001353958.2); c.4631A>G, p.Asp1544Gly (NM_001202435.3, NM_001353948.2); c.4598A>G, p.Asp1533Gly (NM_001353949.2, NM_001353950.2, NM_001353951.2 and 2 more transcripts); c.4595A>G, p.Asp1532Gly (NM_001353954.2, NM_001353955.2); c.4544A>G, p.Asp1515Gly (NM_001353960.2); c.2189A>G, p.Asp730Gly (NM_001353961.2); short protein forms D1516G, D730G, D1532G, D1533G, D1544G, D1515G.
Identifiers: ClinVar variation 654231 (VCV000654231.9), dbSNP rs1573964628, ClinGen allele CA349072274.
Genomic context (GRCh38, chr2:165,994,367, plus strand): 5'-TCATCTGTTTCCACCATCATTGTGACCATGTTAAGACAGATGAGAATCATGATGCTTATG[T>C]CAAAAACTTGTCTGGTTACGAAGTCAAAGACCATTCCTTGAAATTTGTTCTGTAGAGAAA-3'
Protein context (NP_001159435.1, residues 1534-1554): VFDFVTRQVF[Asp1544Gly]ISIMILICLN